The following is an entry in ClinVar:

ClinVar aggregate classification (germline): Uncertain significance (1 of 4 stars; one submission).

Conditions:
Malignant hyperthermia, susceptibility to, 1 (MHS1). Also called: RYR1-Related Malignant Hyperthermia Susceptibility; Malignant hyperthermia suceptibility 1; Anesthesia related hyperthermia; Malignant hyperpyrexia; Fulminating hyperpyrexia; Pharmacogenic myopathy. Identifiers: Orphanet 423, MedGen C2930980, MONDO:0007783, OMIM 145600.

gnomAD v4.1: 2 of 1,614,134 alleles (0.00012%); highest among the groups gnomAD compares: African/African-American, 0.0013%; no homozygotes.

Submission:

Color Diagnostics, LLC DBA Color Health
Classification: Uncertain significance for Malignant hyperthermia, susceptibility to, 1. Last evaluated: 2025-05-25. Review status: criteria provided, single submitter. Criteria: ACMG Guidelines, 2015. Collection method: clinical testing. Allele origin: germline.
Comment: This missense variant replaces lysine with glutamic acid at codon 3658 of the RYR1 protein. Computational prediction is inconclusive regarding the impact of this variant on protein structure and function. To our knowledge, functional studies have not been reported for this variant. This variant has not been reported in individuals affected with RYR1-related disorders in the literature. This variant has been identified in 1/251466 chromosomes in the general population by the Genome Aggregation Database (gnomAD). The available evidence is insufficient to determine the role of this variant in disease conclusively. Therefore, this variant is classified as a Variant of Uncertain Significance.

NM_000540.3(RYR1):c.10972A>G (p.Lys3658Glu)

Gene: RYR1 (ryanodine receptor 1; plus strand). Cytogenetic location: 19q13.2.
Variant type: single nucleotide variant.
Coding change: c.10972A>G on transcript NM_000540.3 (MANE Select); coding-DNA position 10972, A replaced by G.
Protein change: p.Lys3658Glu; replaces lysine 3658 with glutamic acid.
Molecular consequence: missense variant.
Genome position (GRCh38, 1-based): chr19:38,528,633, A>G. VCF-style: chr19-38528633-A-G. GRCh37 (hg19) VCF-style: chr19-39019273-A-G.
Other names: c.10957A>G, p.Lys3653Glu (NM_001042723.2); short protein forms K3653E, K3658E.
Identifiers: ClinVar variation 4756718 (VCV004756718.1).